The following is an entry in ClinVar:

NM_001267550.2(TTN):c.24621C>T (p.Asp8207=)

Gene: TTN (titin; minus strand). Cytogenetic location: 2q31.2.
Variant type: single nucleotide variant.
Coding change: c.24621C>T on transcript NM_001267550.2 (MANE Select); coding-DNA position 24621, C replaced by T.
Protein change: p.Asp8207=; no amino-acid change (aspartic acid 8207 retained).
Molecular consequence: synonymous variant. On other transcripts: intron variant (3).
Genome position (GRCh38, 1-based): chr2:178,718,485, G>A on the plus strand (C>T on the coding strand, the complement: TTN is on the minus strand). VCF-style: chr2-178718485-G-A. GRCh37 (hg19) VCF-style: chr2-179583212-G-A.
Other names: c.23670C>T, p.Asp7890= (NM_001256850.1); c.20889C>T, p.Asp6963= (NM_133378.4); c.13282+19597C>T (NM_003319.4); c.13858+19597C>T (NM_133437.4); c.13657+19597C>T (NM_133432.3).
Identifiers: ClinVar variation 501305 (VCV000501305.19), dbSNP rs751733811, ClinGen allele CA2000392.

ClinVar aggregate classification (germline): Conflicting classifications of pathogenicity. Review status: criteria provided, conflicting classifications (1 of 4 stars). 4 submissions from 4 submitters: Uncertain significance (1); Likely benign (2). 1 of the submissions does not count toward it. Last evaluated 2025-08-20.

Conditions:
Autosomal recessive limb-girdle muscular dystrophy type 2J (LGMDR10). Also called: MUSCULAR DYSTROPHY, LIMB-GIRDLE, AUTOSOMAL RECESSIVE 10; Limb-girdle muscular dystrophy, type 2J. Identifiers: Orphanet 140922, MedGen C1837342, MONDO:0012127, OMIM 608807.
Dilated cardiomyopathy 1G (CMD1G). Identifiers: Orphanet 154, MedGen C1858763, MONDO:0011400, OMIM 604145.
TTN-related disorder. Also called: TTN-related condition; TTN-related disease; TTN-related disorders.

Allele frequency attached by ClinVar (database versions not stated): gnomAD 0.00002 and 0.00003; TOPMed 0.00002; ExAC 0.00003.
gnomAD v4.1: 24 of 1,613,500 alleles (0.0015%); highest among the groups gnomAD compares: East Asian, 0.027%; no homozygotes.

Submissions (4):

Labcorp Genetics (formerly Invitae), Labcorp
Classification: Likely benign for Dilated cardiomyopathy 1G; Autosomal recessive limb-girdle muscular dystrophy type 2J. Last evaluated: 2025-08-20. Review status: criteria provided, single submitter. Criteria: Invitae Variant Classification Sherloc (09022015). Collection method: clinical testing. Allele origin: germline.

GeneDx
Classification: Likely benign. Last evaluated: 2020-11-16. Review status: criteria provided, single submitter. Criteria: GeneDx Variant Classification Process June 2021. Collection method: clinical testing. Allele origin: germline. Affected: yes.

Eurofins Ntd Llc (ga)
Classification: Uncertain significance. Last evaluated: 2017-04-19. Review status: criteria provided, single submitter. Criteria: EGL Classification Definitions 2015. Collection method: clinical testing. Allele origin: germline. Observed: 1 variant allele, 1 heterozygote.

PreventionGenetics, part of Exact Sciences
Classification: Likely benign for TTN-related condition. Last evaluated: 2022-04-06. Review status: no assertion criteria provided. Collection method: clinical testing. Allele origin: germline. Not counted in ClinVar's aggregate classification.
Comment: This variant is classified as likely benign based on ACMG/AMP sequence variant interpretation guidelines (Richards et al. 2015 PMID: 25741868, with internal and published modifications).